The following is an entry in ClinVar:

NM_144997.7(FLCN):c.944A>G (p.Glu315Gly)

Gene: FLCN (folliculin; minus strand). Cytogenetic location: 17p11.2.
Variant type: single nucleotide variant.
Coding change: c.944A>G on transcript NM_144997.7 (MANE Select); coding-DNA position 944, A replaced by G.
Protein change: p.Glu315Gly; replaces glutamic acid 315 with glycine.
Molecular consequence: missense variant.
Genome position (GRCh38, 1-based): chr17:17,219,137, T>C on the plus strand (A>G on the coding strand, the complement: FLCN is on the minus strand). VCF-style: chr17-17219137-T-C. GRCh37 (hg19) VCF-style: chr17-17122451-T-C.
Other names: c.998A>G, p.Glu333Gly (NM_001353229.2); c.944A>G, p.Glu315Gly (NM_001353230.2, NM_001353231.2); short protein forms E315G, E333G.
Identifiers: ClinVar variation 3515622 (VCV003515622.1).

ClinVar aggregate classification (germline): Uncertain significance (1 of 4 stars; one submission).

Conditions:
Hereditary cancer-predisposing syndrome. Also called: Tumor predisposition; Neoplastic Syndromes, Hereditary; Hereditary Cancer Syndrome; Hereditary neoplastic syndrome. Identifiers: Orphanet 140162, MedGen C0027672, MeSH D009386, MONDO:0015356.

Submission:

Ambry Genetics
Classification: Uncertain significance for Hereditary cancer-predisposing syndrome. Last evaluated: 2024-06-29. Review status: criteria provided, single submitter. Criteria: Ambry Variant Classification Scheme 2023. Collection method: clinical testing. Allele origin: germline.
Comment: The p.E315G variant (also known as c.944A>G), located in coding exon 6 of the FLCN gene, results from an A to G substitution at nucleotide position 944. The glutamic acid at codon 315 is replaced by glycine, an amino acid with similar properties. This amino acid position is conserved. In addition, this alteration is predicted to be tolerated by in silico analysis. Based on the available evidence, the clinical significance of this variant remains unclear.